The following is an entry in ClinVar:

NM_032383.5(HPS3):c.1870G>T (p.Glu624Ter)

Gene: HPS3 (HPS3 biogenesis of lysosomal organelles complex 2 subunit 1; plus strand). Cytogenetic location: 3q24.
Variant type: single nucleotide variant.
Coding change: c.1870G>T on transcript NM_032383.5 (MANE Select); coding-DNA position 1870, G replaced by T.
Protein change: p.Glu624Ter; replaces glutamic acid 624 with a stop codon.
Molecular consequence: nonsense.
Genome position (GRCh38, 1-based): chr3:149,158,844, G>T. VCF-style: chr3-149158844-G-T. GRCh37 (hg19) VCF-style: chr3-148876631-G-T.
Other names: c.1375G>T, p.Glu459Ter (NM_001308258.2); short protein forms E459*, E624*.
Identifiers: ClinVar variation 812964 (VCV000812964.20), dbSNP rs200079039, ClinGen allele CA2660196.
Genomic context (GRCh38, chr3:149,158,844, plus strand): 5'-AGAGGATTAATCTTTTACATTAATCATTCACTTTATGAAAACCTGGATGAAGAATTAAAT[G>T]AAGTGATTATAGTTTTCTGTTTTCTATCTAATATTTTTAACATTTCATTTTAATGGTTTA-3'

ClinVar aggregate classification (germline): Pathogenic/Likely pathogenic. Review status: criteria provided, multiple submitters, no conflicts (2 of 4 stars). 9 submissions from 9 submitters: Pathogenic (6); Likely pathogenic (2). 1 of the submissions does not count toward it. Last evaluated 2025-12-30.

Conditions:
Hermansky-Pudlak syndrome 2 (HPS2). Also called: Platelet defects and oculocutaneous albinism. Identifiers: Orphanet 183678, Orphanet 79430, MedGen C1842362, MONDO:0011997, OMIM 608233.
Hermansky-Pudlak syndrome (HPS). Also called: ALBINISM WITH HEMORRHAGIC DIATHESIS AND PIGMENTED RETICULOENDOTHELIAL CELLS. Identifiers: Orphanet 79430, MedGen C0079504, MONDO:0019312.
HPS3-related disorders.
Hermansky-Pudlak syndrome 3 (HPS3). Identifiers: Orphanet 231512, Orphanet 79430, MedGen C3888001, MONDO:0013555, OMIM 614072.

Allele frequency attached by ClinVar (database versions not stated): gnomAD 0.00003; TOPMed 0.00003; gnomAD exomes 0.00005; ExAC 0.00007; ESP Exome Variant Server 0.00008.
gnomAD v4.1: 155 of 1,562,722 alleles (0.0099%); highest among the groups gnomAD compares: Non-Finnish European, 0.013%; no homozygotes.

Submissions (9):

Natera, Inc.
Classification: Pathogenic for Hermansky-Pudlak syndrome. Last evaluated: 2025-12-30. Review status: criteria provided, single submitter. Criteria: Natera Variant Classification Schema (03/2026). Collection method: clinical testing. Allele origin: germline.
Comment: The c.1870G>T variant in HPS3 is a nonsense variant predicted to introduce a stop codon at amino acid 624. This variant is expected to result in nonsense mediated decay, truncation, or a dysfunctional protein product. This variant is rare in the general population with a frequency below the threshold expected for the associated phenotype(s). This variant has been observed in one or more individuals affected with the associated recessive disease, as either homozygous or compound heterozygous with a second variant (PMID: 31898847). Given the available evidence, this variant is classified as Pathogenic.

Blueprint Genetics
Classification: Likely pathogenic for HPS3-related disorders. Last evaluated: 2024-10-16. Review status: criteria provided, single submitter. Criteria: ACMG Guidelines, 2015. Collection method: clinical testing. Allele origin: germline. Affected: yes. Observed: 2 variant alleles.

Labcorp Genetics (formerly Invitae), Labcorp
Classification: Pathogenic. Last evaluated: 2024-10-12. Review status: criteria provided, single submitter. Criteria: Invitae Variant Classification Sherloc (09022015). Collection method: clinical testing. Allele origin: germline.
Comment: This sequence change creates a premature translational stop signal (p.Glu624*) in the HPS3 gene. It is expected to result in an absent or disrupted protein product. Loss-of-function variants in HPS3 are known to be pathogenic (PMID: 11590544). This variant is present in population databases (rs200079039, gnomAD 0.01%). This premature translational stop signal has been observed in individual(s) with Hermansky-Pudlak syndrome (PMID: 31898847). ClinVar contains an entry for this variant (Variation ID: 812964). Algorithms developed to predict the effect of sequence changes on RNA splicing suggest that this variant may disrupt the consensus splice site. For these reasons, this variant has been classified as Pathogenic.

Fulgent Genetics
Classification: Pathogenic for Hermansky-Pudlak syndrome 3. Last evaluated: 2024-03-25. Review status: criteria provided, single submitter. Criteria: ACMG Guidelines, 2015. Collection method: clinical testing. Allele origin: germline.

Baylor Genetics
Classification: Pathogenic for Hermansky-Pudlak syndrome 3. Last evaluated: 2024-01-22. Review status: criteria provided, single submitter. Criteria: ACMG Guidelines, 2015. Collection method: clinical testing. Allele origin: unknown.

Revvity Omics, Revvity
Classification: Pathogenic for Hermansky-Pudlak syndrome 3. Last evaluated: 2023-06-19. Review status: criteria provided, single submitter. Criteria: ACMG Guidelines, 2015. Collection method: clinical testing. Allele origin: germline.

Women's Health and Genetics/Laboratory Corporation of America, LabCorp
Classification: Pathogenic for Hermansky-Pudlak syndrome. Last evaluated: 2023-03-02. Review status: criteria provided, single submitter. Criteria: LabCorp Variant Classification Summary - May 2015. Collection method: clinical testing. Allele origin: germline.
Comment: Variant summary: HPS3 c.1870G>T (p.Glu624X) results in a premature termination codon, predicted to cause a truncation of the encoded protein or absence of the protein due to nonsense mediated decay, which are commonly known mechanisms for disease. Truncations downstream of this position have been classified as pathogenic by our laboratory. The variant allele was found at a frequency of 5.2e-05 in 249792 control chromosomes. This frequency is not significantly higher than estimated for a pathogenic variant in HPS3 causing Hermansky-Pudlak Syndrome (5.2e-05 vs 0.00055), allowing no conclusion about variant significance. c.1870G>T has been reported in the literature in individuals affected with Hermansky-Pudlak Syndrome (Huizing_2020). To our knowledge, no experimental evidence demonstrating an impact on protein function has been reported. Three clinical diagnostic laboratories have submitted clinical-significance assessments for this variant to ClinVar after 2014 without evidence for independent evaluation. All laboratories classified the variant as pathogenic/likely pathogenic. Based on the evidence outlined above, the variant was classified as pathogenic.

GeneDx
Classification: Likely pathogenic. Last evaluated: 2022-05-13. Review status: criteria provided, single submitter. Criteria: GeneDx Variant Classification Process June 2021. Collection method: clinical testing. Allele origin: germline. Affected: yes.
Comment: Nonsense variant predicted to result in protein truncation or nonsense mediated decay in a gene for which loss-of-function is a known mechanism of disease; This variant is associated with the following publications: (PMID: 31898847, 32581362)

NIHR Bioresource Rare Diseases, University of Cambridge
Classification: Likely pathogenic for Hermansky-Pudlak syndrome 2. Review status: no assertion criteria provided. Collection method: research. Allele origin: unknown. Affected: yes. Observed: 1 variant allele. Not counted in ClinVar's aggregate classification.

Literature cited by the submitters: PubMed 31898847 (cited by 3 submitters); PubMed 11590544 (cited by Labcorp Genetics (formerly Invitae), Labcorp); PubMed 32581362 (cited by Women's Health and Genetics/Laboratory Corporation of America, LabCorp and NIHR Bioresource Rare Diseases, University of Cambridge).